The following is an entry in ClinVar:

ClinVar aggregate classification (germline): Benign. Review status: criteria provided, single submitter (1 of 4 stars). 2 submissions from 2 submitters: Benign (1). 1 of the submissions does not count toward it. Last evaluated 2025-09-02.

Conditions:
YAP1-related disorder. Also called: YAP1-related condition.

Allele frequency attached by ClinVar (database versions not stated): ESP Exome Variant Server 0.00092; gnomAD exomes 0.00123 and 0.00465; gnomAD 0.00210; TOPMed 0.00413; ExAC 0.00431; 1000 Genomes Project 30x 0.00796; 1000 Genomes Project 0.00899.
gnomAD v4.1: 2,340 of 1,611,750 alleles (0.15%); highest among the groups gnomAD compares: East Asian, 3.7%; 47 homozygotes.

Submissions (2):

Labcorp Genetics (formerly Invitae), Labcorp
Classification: Benign. Last evaluated: 2025-09-02. Review status: criteria provided, single submitter. Criteria: Invitae Variant Classification Sherloc (09022015). Collection method: clinical testing. Allele origin: germline.

PreventionGenetics, part of Exact Sciences
Classification: Benign for YAP1-related condition. Last evaluated: 2019-09-13. Review status: no assertion criteria provided. Collection method: clinical testing. Allele origin: germline. Not counted in ClinVar's aggregate classification.
Comment: This variant is classified as benign based on ACMG/AMP sequence variant interpretation guidelines (Richards et al. 2015 PMID: 25741868, with internal and published modifications).

NM_001130145.3(YAP1):c.1277-4C>T

Gene: YAP1 (Yes1 associated transcriptional regulator; plus strand). Cytogenetic location: 11q22.1.
Variant type: single nucleotide variant.
Coding change: c.1277-4C>T on transcript NM_001130145.3 (MANE Select); 4 bases into the intron before coding-DNA position 1277, C replaced by T.
Molecular consequence: intron variant.
Genome position (GRCh38, 1-based): chr11:102,229,698, C>T. VCF-style: chr11-102229698-C-T. GRCh37 (hg19) VCF-style: chr11-102100429-C-T.
Other names: c.1289-4C>T (NM_001282101.2); c.1241-4C>T (NM_001282100.2); c.1229-4C>T (NM_001195044.2); c.1175-4C>T (NM_001282099.2); c.1127-4C>T (NM_001282098.2); c.1163-4C>T (NM_001282097.2); c.1115-4C>T (NM_006106.5); c.743-4C>T (NM_001195045.2).
Identifiers: ClinVar variation 778560 (VCV000778560.11), dbSNP rs116990751, ClinGen allele CA6246501.